The following is an entry in ClinVar:

ClinVar aggregate classification (germline): Uncertain significance. Review status: criteria provided, multiple submitters, no conflicts (2 of 4 stars). 4 submissions from 4 submitters: Uncertain significance (4). Last evaluated 2025-12-12.

Conditions:
Primary ciliary dyskinesia. Also called: Ciliary dyskinesia. Identifiers: Orphanet 244, MedGen C0008780, MONDO:0016575, HP:0012265.
Primary ciliary dyskinesia 15. Also called: CILIARY DYSKINESIA, PRIMARY, 15, WITH OR WITHOUT SITUS INVERSUS. Identifiers: Orphanet 244, MedGen C3151137, MONDO:0013435, OMIM 613808.

Allele frequency attached by ClinVar (database versions not stated): ExAC 0.00004; gnomAD 0.00004; gnomAD exomes 0.00005; TOPMed 0.00005.
gnomAD v4.1: 62 of 1,613,818 alleles (0.0038%); highest among the groups gnomAD compares: Admixed American, 0.013%; no homozygotes.

Submissions (4):

Mayo Clinic Laboratories, Mayo Clinic
Classification: Uncertain significance. Last evaluated: 2025-12-12. Review status: criteria provided, single submitter. Criteria: ACMG Guidelines, 2015. Collection method: clinical testing. Allele origin: germline. Observed: 1 variant allele.
Comment: BP4_moderate

Ambry Genetics
Classification: Uncertain significance for Primary ciliary dyskinesia. Last evaluated: 2025-10-07. Review status: criteria provided, single submitter. Criteria: Ambry Variant Classification Scheme 2023. Collection method: clinical testing. Allele origin: germline.

Labcorp Genetics (formerly Invitae), Labcorp
Classification: Uncertain significance for Primary ciliary dyskinesia. Last evaluated: 2022-08-22. Review status: criteria provided, single submitter. Criteria: Invitae Variant Classification Sherloc (09022015). Collection method: clinical testing. Allele origin: germline.
Comment: This sequence change replaces arginine, which is basic and polar, with glutamine, which is neutral and polar, at codon 205 of the CCDC40 protein (p.Arg205Gln). This variant is present in population databases (rs572093892, gnomAD 0.02%). This variant has not been reported in the literature in individuals affected with CCDC40-related conditions. ClinVar contains an entry for this variant (Variation ID: 890288). Algorithms developed to predict the effect of missense changes on protein structure and function are either unavailable or do not agree on the potential impact of this missense change (SIFT: "Tolerated"; PolyPhen-2: "Possibly Damaging"; Align-GVGD: "Class C0"). In summary, the available evidence is currently insufficient to determine the role of this variant in disease. Therefore, it has been classified as a Variant of Uncertain Significance.

Illumina Laboratory Services, Illumina
Classification: Uncertain significance for Primary ciliary dyskinesia 15. Last evaluated: 2018-01-13. Review status: criteria provided, single submitter. Criteria: ICSL Variant Classification Criteria 13 December 2019. Collection method: clinical testing. Allele origin: germline.

NM_017950.4(CCDC40):c.614G>A (p.Arg205Gln)

Gene: CCDC40 (coiled-coil domain 40 molecular ruler complex subunit; plus strand). Cytogenetic location: 17q25.3.
Variant type: single nucleotide variant.
Coding change: c.614G>A on transcript NM_017950.4 (MANE Select); coding-DNA position 614, G replaced by A.
Protein change: p.Arg205Gln; replaces arginine 205 with glutamine.
Molecular consequence: missense variant.
Genome position (GRCh38, 1-based): chr17:80,047,340, G>A. VCF-style: chr17-80047340-G-A. GRCh37 (hg19) VCF-style: chr17-78021139-G-A.
Other names: p.Arg205Gln; c.614G>A, p.Arg205Gln (NM_001243342.2, NM_001330508.2); short protein forms R205Q.
Identifiers: ClinVar variation 890288 (VCV000890288.6), dbSNP rs572093892, ClinGen allele CA8813504.